The following is an entry in ClinVar:

NM_133433.4(NIPBL):c.7841dup (p.Val2615fs)

Gene: NIPBL (NIPBL cohesin loading factor; plus strand). Cytogenetic location: 5p13.2.
Variant type: Duplication.
Coding change: c.7841dup on transcript NM_133433.4 (MANE Select); coding-DNA position 7841, one base duplicated (T; older notation c.7841dupT).
Protein change: p.Val2615fs; shifts the reading frame from valine 2615.
Molecular consequence: frameshift variant.
Genome position (GRCh38, 1-based): chr5:37,060,999, T duplicated. VCF-style (leftmost placement, unchanged base first): chr5-37060998-A-AT. GRCh37 (hg19) VCF-style: chr5-37061100-A-AT.
Other names: c.7841dup, p.Val2615fs (NM_015384.5); short protein forms V2615fs.
Identifiers: ClinVar variation 3382603 (VCV003382603.2).

ClinVar aggregate classification (germline): Pathogenic (1 of 4 stars; one submission).

Conditions:
Cornelia de Lange syndrome 1 (CDLS1). Also called: TYPUS DEGENERATIVUS AMSTELODAMENSIS; Brachmann de Lange syndrome; NIPBL-Related Cornelia de Lange Syndrome. Identifiers: Orphanet 199, MedGen C4551851, MONDO:0007387, OMIM 122470.

Submission:

Juno Genomics, Hangzhou Juno Genomics, Inc
Classification: Pathogenic for Cornelia de Lange syndrome 1. Review status: criteria provided, single submitter. Criteria: ACMG Guidelines, 2015. Collection method: clinical testing. Allele origin: germline. Affected: yes.
Comment: Absent from controls (or at extremely low frequency if recessive) in Genome Aggregation Database, Exome Sequencing Project, 1000 Genomes Project, or Exome Aggregation Consortium.;Null variant in a gene where loss of function (LOF) is a known mechanism of disease.;De novo (both maternity and paternity confirmed) in a patient with the disease and no family history.;Patient's phenotype or family history is highly specific for a disease with a single genetic etiology.